The following is an entry in ClinVar:

ClinVar aggregate classification (germline): Uncertain significance. Review status: criteria provided, multiple submitters, no conflicts (2 of 4 stars). 2 submissions from 2 submitters: Uncertain significance (2). Last evaluated 2025-11-24.

Conditions:
Hereditary cancer-predisposing syndrome. Also called: Tumor predisposition; Hereditary neoplastic syndrome; Neoplastic Syndromes, Hereditary; Hereditary Cancer Syndrome. Identifiers: Orphanet 140162, MedGen C0027672, MeSH D009386, MONDO:0015356.
Neuroblastoma, susceptibility to, 3. Also called: ALK-Related Neuroblastic Tumor Susceptibility. Identifiers: Orphanet 635, MedGen C2751681, MONDO:0013083, OMIM 613014.

Submissions (2):

Ambry Genetics
Classification: Uncertain significance for Hereditary cancer-predisposing syndrome. Last evaluated: 2025-11-24. Review status: criteria provided, single submitter. Criteria: Ambry Variant Classification Scheme 2023. Collection method: clinical testing. Allele origin: germline.
Comment: The p.A1051S variant (also known as c.3151G>T), located in coding exon 19 of the ALK gene, results from a G to T substitution at nucleotide position 3151. The alanine at codon 1051 is replaced by serine, an amino acid with similar properties. This amino acid position is conserved. In addition, the in silico prediction for this alteration is inconclusive. Based on the available evidence, the clinical significance of this variant remains unclear.

Labcorp Genetics (formerly Invitae), Labcorp
Classification: Uncertain significance for Neuroblastoma, susceptibility to, 3. Last evaluated: 2022-12-04. Review status: criteria provided, single submitter. Criteria: Invitae Variant Classification Sherloc (09022015). Collection method: clinical testing. Allele origin: germline.
Comment: In summary, the available evidence is currently insufficient to determine the role of this variant in disease. Therefore, it has been classified as a Variant of Uncertain Significance. Algorithms developed to predict the effect of missense changes on protein structure and function (SIFT, PolyPhen-2, Align-GVGD) all suggest that this variant is likely to be disruptive. This variant has not been reported in the literature in individuals affected with ALK-related conditions. This variant is not present in population databases (gnomAD no frequency). This sequence change replaces alanine, which is neutral and non-polar, with serine, which is neutral and polar, at codon 1051 of the ALK protein (p.Ala1051Ser).

NM_004304.5(ALK):c.3151G>T (p.Ala1051Ser)

Gene: ALK (ALK receptor tyrosine kinase; minus strand). Cytogenetic location: 2p23.2.
Variant type: single nucleotide variant.
Coding change: c.3151G>T on transcript NM_004304.5 (MANE Select); coding-DNA position 3151, G replaced by T.
Protein change: p.Ala1051Ser; replaces alanine 1051 with serine.
Molecular consequence: missense variant.
Genome position (GRCh38, 1-based): chr2:29,225,482, C>A on the plus strand (G>T on the coding strand, the complement: ALK is on the minus strand). VCF-style: chr2-29225482-C-A. GRCh37 (hg19) VCF-style: chr2-29448348-C-A.
Other names: c.3151G>T (NM_004304.4); short protein forms A1051S.
Identifiers: ClinVar variation 2979687 (VCV002979687.4), dbSNP rs2148176350, ClinGen allele CA346466795.